The following is an entry in ClinVar:

NM_006015.6(ARID1A):c.644A>G (p.Tyr215Cys)

Genes: ARID1A (AT-rich interaction domain 1A; plus strand), LOC129929837 (ATAC-STARR-seq lymphoblastoid silent region 489; plus strand). Cytogenetic location: 1p36.11.
Variant type: single nucleotide variant.
Coding change: c.644A>G on transcript NM_006015.6 (MANE Select); coding-DNA position 644, A replaced by G.
Protein change: p.Tyr215Cys; replaces tyrosine 215 with cysteine.
Molecular consequence: missense variant.
Genome position (GRCh38, 1-based): chr1:26,697,047, A>G. VCF-style: chr1-26697047-A-G. GRCh37 (hg19) VCF-style: chr1-27023538-A-G.
Other names: c.644A>G, p.Tyr215Cys (NM_139135.4); short protein forms Y215C.
Identifiers: ClinVar variation 2870648 (VCV002870648.3), dbSNP rs763817285, ClinGen allele CA706648.

ClinVar aggregate classification (germline): Uncertain significance (1 of 4 stars; one submission).

Allele frequency attached by ClinVar (database versions not stated): TOPMed below 0.00001; gnomAD exomes 0.00001; ExAC 0.00002.

Submission:

Labcorp Genetics (formerly Invitae), Labcorp
Classification: Uncertain significance. Last evaluated: 2024-01-11. Review status: criteria provided, single submitter. Criteria: Invitae Variant Classification Sherloc (09022015). Collection method: clinical testing. Allele origin: germline.
Comment: This sequence change replaces tyrosine, which is neutral and polar, with cysteine, which is neutral and slightly polar, at codon 215 of the ARID1A protein (p.Tyr215Cys). The frequency data for this variant in the population databases is considered unreliable, as metrics indicate poor data quality at this position in the gnomAD database. This variant has not been reported in the literature in individuals affected with ARID1A-related conditions. Advanced modeling of protein sequence and biophysical properties (such as structural, functional, and spatial information, amino acid conservation, physicochemical variation, residue mobility, and thermodynamic stability) performed at Invitae indicates that this missense variant is not expected to disrupt ARID1A protein function with a negative predictive value of 95%. In summary, the available evidence is currently insufficient to determine the role of this variant in disease. Therefore, it has been classified as a Variant of Uncertain Significance.